The following is an entry in ClinVar:

ClinVar aggregate classification (germline): Pathogenic. Review status: criteria provided, multiple submitters, no conflicts (2 of 4 stars). 3 submissions from 3 submitters: Pathogenic (2). 1 of the submissions does not count toward it. Last evaluated 2026-05-01.

Conditions:
Intellectual developmental disorder, autosomal recessive 57. Also called: Intellectual disability, autosomal recessive 57. Identifiers: MedGen C4310673, MONDO:0014962, OMIM 617188.

Submissions (3):

CeGaT Center for Human Genetics Tuebingen
Classification: Pathogenic. Last evaluated: 2026-05-01. Review status: criteria provided, single submitter. Criteria: CeGaT Center For Human Genetics Tuebingen Variant Classification Criteria Version 2. Collection method: clinical testing. Allele origin: germline. Affected: yes. Observed: 3 variant alleles.
Comment: MBOAT7: PVS1, PM2, PM3

3billion
Classification: Pathogenic for Intellectual developmental disorder, autosomal recessive 57. Last evaluated: 2022-01-03. Review status: criteria provided, single submitter. Criteria: ACMG Guidelines, 2015. Collection method: clinical testing. Allele origin: germline. Affected: yes. Observed: 1 heterozygote.
Comment: Stop-gained (nonsense): predicted to result in a loss or disruption of normal protein function through protein truncation. Multiple pathogenic variants are reported in the predicted truncated region (PVS1_S). Functional studies provide strong evidence of the variant having a damaging effect on the gene or gene product (PMID:32645526, PS3_S). The variant has been reported to be associated with MBOAT7 related disorder (ClinVar ID: VCV000812082, PMID:32645526).It is not observed in the gnomAD v2.1.1 dataset (PM2_M). Therefore, this variant is classified as pathogenic according to the recommendation of ACMG/AMP guideline.

Medical Genetics Laboratory, Tarbiat Modares University
Classification: Likely pathogenic for Intellectual developmental disorder, autosomal recessive 57. Review status: no assertion criteria provided. Collection method: research. Allele origin: germline. Inheritance: Autosomal recessive inheritance. Affected: yes. Observed: 1 homozygote. Not counted in ClinVar's aggregate classification.

Literature cited by the submitters: PubMed 32645526 (cited by 3billion).

NM_024298.5(MBOAT7):c.1062C>A (p.Tyr354Ter)

Gene: MBOAT7 (membrane bound acylglycerophosphatidylinositol O-acyltransferase MBOAT7; minus strand). Cytogenetic location: 19q13.42.
Variant type: single nucleotide variant.
Coding change: c.1062C>A on transcript NM_024298.5 (MANE Select); coding-DNA position 1062, C replaced by A.
Protein change: p.Tyr354Ter; replaces tyrosine 354 with a stop codon.
Molecular consequence: nonsense.
Genome position (GRCh38, 1-based): chr19:54,174,401, G>T on the plus strand (C>A on the coding strand, the complement: MBOAT7 is on the minus strand). VCF-style: chr19-54174401-G-T. GRCh37 (hg19) VCF-style: chr19-54678095-G-T.
Other names: c.843C>A, p.Tyr281Ter (NM_001146056.3, NM_001146083.3); short protein forms Y281*, Y354*.
Identifiers: ClinVar variation 812082 (VCV000812082.48), dbSNP rs2076017638, ClinGen allele CA407792416.